The following is an entry in ClinVar:

ClinVar aggregate classification (germline): Conflicting classifications of pathogenicity. Review status: criteria provided, conflicting classifications (1 of 4 stars). 2 submissions from 2 submitters: Uncertain significance (1); Likely benign (1). Last evaluated 2025-11-19.

Allele frequency attached by ClinVar (database versions not stated): gnomAD exomes 0.00003; gnomAD 0.00006; TOPMed 0.00011.
gnomAD v4.1: 70 of 1,205,174 alleles (0.0058%); highest among the groups gnomAD compares: African/African-American, 0.039%; no homozygotes.

Submissions (2):

Ambry Genetics
Classification: Likely benign. Last evaluated: 2025-11-19. Review status: criteria provided, single submitter. Criteria: Ambry Variant Classification Scheme 2023. Collection method: clinical testing. Allele origin: germline.

Labcorp Genetics (formerly Invitae), Labcorp
Classification: Uncertain significance. Last evaluated: 2024-12-09. Review status: criteria provided, single submitter. Criteria: Invitae Variant Classification Sherloc (09022015). Collection method: clinical testing. Allele origin: germline.
Comment: This sequence change replaces proline, which is neutral and non-polar, with leucine, which is neutral and non-polar, at codon 319 of the GYG2 protein (p.Pro319Leu). The frequency data for this variant in the population databases is considered unreliable, as metrics indicate poor data quality at this position in the gnomAD database. This variant has not been reported in the literature in individuals affected with GYG2-related conditions. ClinVar contains an entry for this variant (Variation ID: 2419166). An algorithm developed to predict the effect of missense changes on protein structure and function outputs the following: PolyPhen-2: "Benign". The leucine amino acid residue is found in multiple mammalian species, which suggests that this missense change does not adversely affect protein function. In summary, the available evidence is currently insufficient to determine the role of this variant in disease. Therefore, it has been classified as a Variant of Uncertain Significance.

NM_001079855.2(GYG2):c.863C>T (p.Pro288Leu)

Gene: GYG2 (glycogenin 2; plus strand). Cytogenetic location: Xp22.33.
Variant type: single nucleotide variant.
Coding change: c.863C>T on transcript NM_001079855.2 (MANE Select); coding-DNA position 863, C replaced by T.
Protein change: p.Pro288Leu; replaces proline 288 with leucine.
Molecular consequence: missense variant.
Genome position (GRCh38, 1-based): chrX:2,861,547, C>T. VCF-style: chrX-2861547-C-T. GRCh37 (hg19) VCF-style: chrX-2779588-C-T.
Other names: c.863C>T, p.Pro288Leu (NM_001184702.2); c.956C>T, p.Pro319Leu (NM_001184703.2, NM_003918.3); c.398C>T, p.Pro133Leu (NM_001184704.2); c.956C>T (NM_003918.2); short protein forms P133L, P288L, P319L.
Identifiers: ClinVar variation 2419166 (VCV002419166.7), dbSNP rs111544757, ClinGen allele CA325970033.